The following is an entry in ClinVar:

ClinVar aggregate classification (germline): Pathogenic (1 of 4 stars; one submission).

Submission:

GeneDx
Classification: Pathogenic. Last evaluated: 2026-01-27. Review status: criteria provided, single submitter. Criteria: GeneDx Variant Classification Process June 2021. Collection method: clinical testing. Allele origin: germline.
Comment: Nonsense variant predicted to result in protein truncation or nonsense mediated decay in a gene for which loss of function is a known mechanism of disease; Not observed at significant frequency in large population cohorts (gnomAD); This variant is associated with the following publications: (PMID: 30582441, 34328347)

NM_182925.5(FLT4):c.3091C>T (p.Arg1031Ter)

Gene: FLT4 (fms related receptor tyrosine kinase 4; minus strand). Cytogenetic location: 5q35.3.
Variant type: single nucleotide variant.
Coding change: c.3091C>T on transcript NM_182925.5 (MANE Select); coding-DNA position 3091, C replaced by T.
Protein change: p.Arg1031Ter; replaces arginine 1031 with a stop codon.
Molecular consequence: nonsense.
Genome position (GRCh38, 1-based): chr5:180,616,905, G>A on the plus strand (C>T on the coding strand, the complement: FLT4 is on the minus strand). VCF-style: chr5-180616905-G-A. GRCh37 (hg19) VCF-style: chr5-180043905-G-A.
Other names: c.3091C>T, p.Arg1031Ter (NM_001354989.2, NM_002020.5); short protein forms R1031*.
Identifiers: ClinVar variation 4887926 (VCV004887926.1).